The following is an entry in ClinVar:

NM_014000.3(VCL):c.1340A>G (p.Asp447Gly)

Gene: VCL (vinculin; plus strand). Cytogenetic location: 10q22.2.
Variant type: single nucleotide variant.
Coding change: c.1340A>G on transcript NM_014000.3 (MANE Select); coding-DNA position 1340, A replaced by G.
Protein change: p.Asp447Gly; replaces aspartic acid 447 with glycine.
Molecular consequence: missense variant.
Genome position (GRCh38, 1-based): chr10:74,090,186, A>G. VCF-style: chr10-74090186-A-G. GRCh37 (hg19) VCF-style: chr10-75849944-A-G.
Other names: c.1340A>G, p.Asp447Gly (NM_003373.4); short protein forms D447G.
Identifiers: ClinVar variation 3467797 (VCV003467797.2).
Genomic context (GRCh38, chr10:74,090,186, plus strand): 5'-AAAGAGATGACATTCTACGTTCCCTTGGGGAAATATCTGCTCTGACTTCTAAATTAGCAG[A>G]TCTACGAAGACAGTATGTATTTAACCCTTACATTGCCTTTTCATATCTTTTCTTCTCTTT-3'
Protein context (NP_054706.1, residues 437-457): EISALTSKLA[Asp447Gly]LRRQGKGDSP

ClinVar aggregate classification (germline): Uncertain significance (1 of 4 stars; one submission).

Conditions:
Cardiovascular phenotype. Identifiers: MedGen CN230736.

gnomAD v4.1: 1 of 1,614,052 alleles (0.000062%); highest among the groups gnomAD compares: African/African-American, 0.0013%; no homozygotes.

Submission:

Ambry Genetics
Classification: Uncertain significance for Cardiovascular phenotype. Last evaluated: 2025-10-24. Review status: criteria provided, single submitter. Criteria: Ambry Variant Classification Scheme 2023. Collection method: clinical testing. Allele origin: germline.
Comment: The p.D447G variant (also known as c.1340A>G), located in coding exon 10 of the VCL gene, results from an A to G substitution at nucleotide position 1340. The aspartic acid at codon 447 is replaced by glycine, an amino acid with similar properties. This amino acid position is highly conserved in available vertebrate species. In addition, this alteration is predicted to be deleterious by in silico analysis. Based on the available evidence, the clinical significance of this variant remains unclear.